The following is an entry in ClinVar:

ClinVar aggregate classification (germline): Uncertain significance (1 of 4 stars; one submission).

Conditions:
Hereditary diffuse gastric adenocarcinoma (HDGC). Also called: DIFFUSE GASTRIC AND LOBULAR BREAST CANCER SYNDROME. Identifiers: Orphanet 26106, MedGen C1708349, MONDO:0007648, OMIM 137215.

Submission:

Labcorp Genetics (formerly Invitae), Labcorp
Classification: Uncertain significance for Hereditary diffuse gastric adenocarcinoma. Last evaluated: 2023-04-12. Review status: criteria provided, single submitter. Criteria: Invitae Variant Classification Sherloc (09022015). Collection method: clinical testing. Allele origin: germline.
Comment: In summary, the available evidence is currently insufficient to determine the role of this variant in disease. Therefore, it has been classified as a Variant of Uncertain Significance. An algorithm developed to predict the effect of missense changes on protein structure and function (PolyPhen-2) suggests that this variant is likely to be tolerated. This variant has not been reported in the literature in individuals affected with CDH1-related conditions. This variant is not present in population databases (gnomAD no frequency). This sequence change replaces histidine, which is basic and polar, with glutamine, which is neutral and polar, at codon 45 of the CDH1 protein (p.His45Gln).

NM_004360.5(CDH1):c.135C>G (p.His45Gln)

Gene: CDH1 (cadherin 1; plus strand). Cytogenetic location: 16q22.1.
Variant type: single nucleotide variant.
Coding change: c.135C>G on transcript NM_004360.5 (MANE Select); coding-DNA position 135, C replaced by G.
Protein change: p.His45Gln; replaces histidine 45 with glutamine.
Molecular consequence: missense variant. On other transcripts: 5 prime UTR variant (2).
Genome position (GRCh38, 1-based): chr16:68,738,383, C>G. VCF-style: chr16-68738383-C-G. GRCh37 (hg19) VCF-style: chr16-68772286-C-G.
Other names: c.135C>G, p.His45Gln (NM_001317184.2); c.-1481C>G (NM_001317185.2); c.-1685C>G (NM_001317186.2); short protein forms H45Q.
Identifiers: ClinVar variation 2913251 (VCV002913251.3), dbSNP rs2152114452, ClinGen allele CA396452201.